The following is an entry in ClinVar:

NM_001004127.3(ALG11):c.1220G>T (p.Cys407Phe)

Genes: ALG11 (ALG11 alpha-1,2-mannosyltransferase; plus strand), UTP14C (UTP14C small subunit processome component; plus strand). Cytogenetic location: 13q14.3.
Variant type: single nucleotide variant.
Coding change: c.1220G>T on transcript NM_001004127.3 (MANE Select); coding-DNA position 1220, G replaced by T.
Protein change: p.Cys407Phe; replaces cysteine 407 with phenylalanine.
Molecular consequence: missense variant. On other transcripts: non-coding transcript variant (1), 5 prime UTR variant (1).
Genome position (GRCh38, 1-based): chr13:52,028,331, G>T. VCF-style: chr13-52028331-G-T. GRCh37 (hg19) VCF-style: chr13-52602467-G-T.
Other names: c.-474G>T (NM_021645.6); c.1220G>T (NM_001004127.2); short protein forms C407F.
Identifiers: ClinVar variation 2770727 (VCV002770727.4), dbSNP rs149032027, ClinGen allele CA6990050.
Genomic context (GRCh38, chr13:52,028,331, plus strand): 5'-CACACTCAAAAACTTAAAAGATTACATGATTTGTGTTTTTTTTCTCAGGAGTTGTGGAGT[G>T]TATGGCAGCTGGCACAATTATCCTTGCACACAATTCGGGGGGCCCAAAGCTTGACATTGT-3'
Protein context (NP_001004127.2, residues 397-417): NEHFGIGVVE[Cys407Phe]MAAGTIILAH

ClinVar aggregate classification (germline): Uncertain significance. Review status: criteria provided, multiple submitters, no conflicts (2 of 4 stars). 2 submissions from 2 submitters: Uncertain significance (2). Last evaluated 2025-08-01.

Conditions:
ALG11-congenital disorder of glycosylation. Also called: CONGENITAL DISORDER OF GLYCOSYLATION, TYPE Ip; ALG11-CDG. Identifiers: Orphanet 280071, MedGen C3150913, MONDO:0013349, OMIM 613661.
Inborn genetic diseases. Identifiers: MedGen C0950123, MeSH D030342.

Allele frequency attached by ClinVar (database versions not stated): gnomAD 0.00009; TOPMed 0.00013; ESP Exome Variant Server 0.00015.
gnomAD v4.1: 22 of 1,614,022 alleles (0.0014%); highest among the groups gnomAD compares: African/African-American, 0.024%; no homozygotes.

Submissions (2):

Ambry Genetics
Classification: Uncertain significance for Inborn genetic diseases. Last evaluated: 2025-08-01. Review status: criteria provided, single submitter. Criteria: Ambry Variant Classification Scheme 2023. Collection method: clinical testing. Allele origin: germline.

Labcorp Genetics (formerly Invitae), Labcorp
Classification: Uncertain significance for ALG11-congenital disorder of glycosylation. Last evaluated: 2023-02-09. Review status: criteria provided, single submitter. Criteria: Invitae Variant Classification Sherloc (09022015). Collection method: clinical testing. Allele origin: germline.
Comment: This sequence change replaces cysteine, which is neutral and slightly polar, with phenylalanine, which is neutral and non-polar, at codon 407 of the ALG11 protein (p.Cys407Phe). In summary, the available evidence is currently insufficient to determine the role of this variant in disease. Therefore, it has been classified as a Variant of Uncertain Significance. Advanced modeling of protein sequence and biophysical properties (such as structural, functional, and spatial information, amino acid conservation, physicochemical variation, residue mobility, and thermodynamic stability) performed at Invitae indicates that this missense variant is not expected to disrupt ALG11 protein function. This variant has not been reported in the literature in individuals affected with ALG11-related conditions. This variant is present in population databases (rs149032027, gnomAD 0.03%).